The following is an entry in ClinVar:

ClinVar aggregate classification (germline): Uncertain significance (1 of 4 stars; one submission).

Submission:

Labcorp Genetics (formerly Invitae), Labcorp
Classification: Uncertain significance. Last evaluated: 2022-12-02. Review status: criteria provided, single submitter. Criteria: Invitae Variant Classification Sherloc (09022015). Collection method: clinical testing. Allele origin: germline.
Comment: In summary, the available evidence is currently insufficient to determine the role of this variant in disease. Therefore, it has been classified as a Variant of Uncertain Significance. Advanced modeling of protein sequence and biophysical properties (such as structural, functional, and spatial information, amino acid conservation, physicochemical variation, residue mobility, and thermodynamic stability) performed at Invitae indicates that this missense variant is expected to disrupt RETREG1 protein function. ClinVar contains an entry for this variant (Variation ID: 1523048). This variant has not been reported in the literature in individuals affected with RETREG1-related conditions. This variant is not present in population databases (gnomAD no frequency). This sequence change replaces alanine, which is neutral and non-polar, with threonine, which is neutral and polar, at codon 287 of the RETREG1 protein (p.Ala287Thr).

NM_001034850.3(RETREG1):c.859G>A (p.Ala287Thr)

Gene: RETREG1 (reticulophagy regulator 1; minus strand). Cytogenetic location: 5p15.1.
Variant type: single nucleotide variant.
Coding change: c.859G>A on transcript NM_001034850.3 (MANE Select); coding-DNA position 859, G replaced by A.
Protein change: p.Ala287Thr; replaces alanine 287 with threonine.
Molecular consequence: missense variant.
Genome position (GRCh38, 1-based): chr5:16,478,048, C>T on the plus strand (G>A on the coding strand, the complement: RETREG1 is on the minus strand). VCF-style: chr5-16478048-C-T. GRCh37 (hg19) VCF-style: chr5-16478157-C-T.
Other names: c.436G>A, p.Ala146Thr (NM_019000.5); short protein forms A146T, A287T.
Identifiers: ClinVar variation 1523048 (VCV001523048.8), dbSNP rs2126511545, ClinGen allele CA359258130.